The following is an entry in ClinVar:

NM_000127.3(EXT1):c.249dup (p.Gln84fs)

Gene: EXT1 (exostosin glycosyltransferase 1; minus strand). Cytogenetic location: 8q24.11.
Variant type: Duplication.
Coding change: c.249dup on transcript NM_000127.3 (MANE Select); coding-DNA position 249, one base duplicated (G; older notation c.249dupG).
Protein change: p.Gln84fs; shifts the reading frame from glutamine 84.
Molecular consequence: frameshift variant.
Genome position (GRCh38, 1-based): chr8:118,110,798, C duplicated on the plus strand (G on the coding strand, the reverse complement: EXT1 is on the minus strand); the first of 2 consecutive C bases (chr8:118,110,798-118,110,799); duplicating either gives the same sequence. VCF-style (leftmost placement, unchanged base first): chr8-118110797-G-GC. GRCh37 (hg19) VCF-style: chr8-119123036-G-GC.
Other names: short protein forms Q84fs.
Identifiers: ClinVar variation 2693237 (VCV002693237.3), dbSNP rs2488052905, ClinGen allele CA2697550123.

ClinVar aggregate classification (germline): Pathogenic (1 of 4 stars; one submission).

Conditions:
Multiple congenital exostosis (EXT). Also called: Multiple osteochondromas; Hereditary multiple osteochondromas; MULTIPLE CARTILAGINOUS EXOSTOSES; Multiple exostoses; Hereditary multiple exostoses; Hereditary multiple exostosis. Identifiers: Orphanet 321, MedGen C0015306, MONDO:0005508, HP:0002762.

Submission:

Labcorp Genetics (formerly Invitae), Labcorp
Classification: Pathogenic for Multiple congenital exostosis. Last evaluated: 2024-04-24. Review status: criteria provided, single submitter. Criteria: Invitae Variant Classification Sherloc (09022015). Collection method: clinical testing. Allele origin: germline.
Comment: This sequence change creates a premature translational stop signal (p.Gln84Alafs*105) in the EXT1 gene. It is expected to result in an absent or disrupted protein product. Loss-of-function variants in EXT1 are known to be pathogenic (PMID: 10679937, 11391482, 19810120). This variant is not present in population databases (gnomAD no frequency). This premature translational stop signal has been observed in individuals with multiple osteochondromatosis (PMID: 11432960, 25230886). For these reasons, this variant has been classified as Pathogenic.

Literature cited by the submitters: PubMed 10679937; PubMed 11391482; PubMed 19810120; PubMed 11432960; PubMed 25230886.